The following is an entry in ClinVar:

NM_003937.3(KYNU):c.758A>G (p.His253Arg)

Gene: KYNU (kynureninase; plus strand). Cytogenetic location: 2q22.2.
Variant type: single nucleotide variant.
Coding change: c.758A>G on transcript NM_003937.3 (MANE Select); coding-DNA position 758, A replaced by G.
Protein change: p.His253Arg; replaces histidine 253 with arginine.
Molecular consequence: missense variant.
Genome position (GRCh38, 1-based): chr2:142,985,112, A>G. VCF-style: chr2-142985112-A-G. GRCh37 (hg19) VCF-style: chr2-143742681-A-G.
Other names: c.758A>G, p.His253Arg (NM_001032998.2, NM_001199241.2); short protein forms H253R.
Identifiers: ClinVar variation 2518870 (VCV002518870.3), dbSNP rs372144733, ClinGen allele CA1896833.

ClinVar aggregate classification (germline): Conflicting classifications of pathogenicity. Review status: criteria provided, conflicting classifications (1 of 4 stars). 2 submissions from 2 submitters: Likely pathogenic (1); Uncertain significance (1). Last evaluated 2025-10-27.

Conditions:
Paediatric disorders.

Allele frequency attached by ClinVar (database versions not stated): ExAC 0.00002; TOPMed 0.00002; ESP Exome Variant Server 0.00008.
gnomAD v4.1: 121 of 1,610,838 alleles (0.0075%); highest among the groups gnomAD compares: Non-Finnish European, 0.01%; no homozygotes.

Submissions (2):

North West Genomic Laboratory Hub, Manchester University NHS Foundation Trust
Classification: Likely pathogenic for Paediatric disorders. Last evaluated: 2025-10-27. Review status: criteria provided, single submitter. Criteria: ACGS Best Practice Guidelines for Variant Classification in Rare Disease 2024. Collection method: clinical testing. Allele origin: germline. Affected: yes.
Comment: PP4_Supp PP3_Supp PM2_Mod PM3_Mod

Ambry Genetics
Classification: Uncertain significance. Last evaluated: 2023-03-29. Review status: criteria provided, single submitter. Criteria: Ambry Variant Classification Scheme 2023. Collection method: clinical testing. Allele origin: germline.